The following is an entry in ClinVar:

NM_015656.2(KIF26A):c.5297C>T (p.Pro1766Leu)

Gene: KIF26A (kinesin family member 26A; plus strand). Cytogenetic location: 14q32.33.
Variant type: single nucleotide variant.
Coding change: c.5297C>T on transcript NM_015656.2 (MANE Select); coding-DNA position 5297, C replaced by T.
Protein change: p.Pro1766Leu; replaces proline 1766 with leucine.
Molecular consequence: missense variant.
Genome position (GRCh38, 1-based): chr14:104,178,736, C>T. VCF-style: chr14-104178736-C-T. GRCh37 (hg19) VCF-style: chr14-104645073-C-T.
Other names: c.5297C>T (NM_015656.1); short protein forms P1766L.
Identifiers: ClinVar variation 3063628 (VCV003063628.4), dbSNP rs370124215, ClinGen allele CA7371549.

ClinVar aggregate classification (germline): Uncertain significance. Review status: criteria provided, multiple submitters, no conflicts (2 of 4 stars). 3 submissions from 3 submitters: Uncertain significance (3). Last evaluated 2025-11-04.

Allele frequency attached by ClinVar (database versions not stated): gnomAD exomes 0.00026; ESP Exome Variant Server 0.00028; ExAC 0.00055; TOPMed 0.00072; 1000 Genomes Project 0.00080; gnomAD 0.00064; 1000 Genomes Project 30x 0.00078.
gnomAD v4.1: 466 of 1,540,096 alleles (0.03%); highest among the groups gnomAD compares: African/African-American, 0.16%; no homozygotes.

Submissions (3):

Dasa
Classification: Uncertain significance. Last evaluated: 2025-11-04. Review status: criteria provided, single submitter. Criteria: DASA Assertion Criteria. Collection method: clinical testing. Allele origin: germline.
Comment: NM_015656.2(KIF26A):c.5297C>T (p.Pro1766Leu) is a missense variant that results in the substitution of proline with leucine. This variant is rare in population databases. Computational prediction algorithms are consistent with a benign effect. The currently available literature and clinical evidence are not sufficient to establish a definitive association between this variant and the reported condition. Therefore, this variant is classified as a variant of uncertain significance.

Women's Health and Genetics/Laboratory Corporation of America, LabCorp
Classification: Uncertain significance. Last evaluated: 2024-01-22. Review status: criteria provided, single submitter. Criteria: LabCorp Variant Classification Summary - May 2015. Collection method: clinical testing. Allele origin: germline.
Comment: Variant summary: KIF26A c.5297C>T (p.Pro1766Leu) results in a non-conservative amino acid change in the encoded protein sequence. Four of five in-silico tools predict a benign effect of the variant on protein function. The variant allele was found at a frequency of 0.0003 in 1540096 control chromosomes, predominantly at a frequency of 0.0016 within the African or African-American subpopulation in the gnomAD database. To our knowledge, no occurrence of c.5297C>T in individuals affected with Cortical Dysplasia, Complex, With Other Brain Malformations 11 and no experimental evidence demonstrating its impact on protein function have been reported. No submitters have cited clinical-significance assessments for this variant to ClinVar. Based on the evidence outlined above, the variant was classified as uncertain significance.

Ambry Genetics
Classification: Uncertain significance. Last evaluated: 2023-12-09. Review status: criteria provided, single submitter. Criteria: Ambry Variant Classification Scheme 2023. Collection method: clinical testing. Allele origin: germline.